The following is an entry in ClinVar:

ClinVar aggregate classification (germline): Uncertain significance. Review status: criteria provided, multiple submitters, no conflicts (2 of 4 stars). 2 submissions from 2 submitters: Uncertain significance (2). Last evaluated 2022-11-10.

Conditions:
Cardiovascular phenotype. Identifiers: MedGen CN230736.
Long QT syndrome (LQTS). Identifiers: MedGen C0023976, MeSH D008133, MONDO:0002442. Disease mechanism: loss of function. Inheritance: Various modes of inheritance.

Allele frequency attached by ClinVar (database versions not stated): gnomAD exomes below 0.00001.
gnomAD v4.1: 1 of 1,614,090 alleles (0.000062%); highest among the groups gnomAD compares: Admixed American, 0.0017%; no homozygotes.

Submissions (2):

Ambry Genetics
Classification: Uncertain significance for Cardiovascular phenotype. Last evaluated: 2022-11-10. Review status: criteria provided, single submitter. Criteria: Ambry Variant Classification Scheme 2023. Collection method: clinical testing. Allele origin: germline.

Labcorp Genetics (formerly Invitae), Labcorp
Classification: Uncertain significance for Long QT syndrome. Last evaluated: 2022-04-07. Review status: criteria provided, single submitter. Criteria: Invitae Variant Classification Sherloc (09022015). Collection method: clinical testing. Allele origin: germline.
Comment: This sequence change replaces proline, which is neutral and non-polar, with histidine, which is basic and polar, at codon 3856 of the ANK2 protein (p.Pro3856His). This variant is present in population databases (no rsID available, gnomAD 0.003%). This variant has not been reported in the literature in individuals affected with ANK2-related conditions. Algorithms developed to predict the effect of missense changes on protein structure and function are either unavailable or do not agree on the potential impact of this missense change (SIFT: "Tolerated"; PolyPhen-2: "Possibly Damaging"; Align-GVGD: "Class C0"). In summary, the available evidence is currently insufficient to determine the role of this variant in disease. Therefore, it has been classified as a Variant of Uncertain Significance.

NM_001148.6(ANK2):c.11567C>A (p.Pro3856His)

Gene: ANK2 (ankyrin 2; plus strand). Cytogenetic location: 4q26.
Variant type: single nucleotide variant.
Coding change: c.11567C>A on transcript NM_001148.6 (MANE Select); coding-DNA position 11567, C replaced by A.
Protein change: p.Pro3856His; replaces proline 3856 with histidine.
Molecular consequence: missense variant.
Genome position (GRCh38, 1-based): chr4:113,369,762, C>A. VCF-style: chr4-113369762-C-A. GRCh37 (hg19) VCF-style: chr4-114290918-C-A.
Other names: c.5285C>A, p.Pro1762His (NM_001127493.3); c.5324C>A, p.Pro1775His (NM_001354225.2); c.5213C>A, p.Pro1738His (NM_001354228.2, NM_001354258.2); c.5291C>A, p.Pro1764His (NM_001354230.2); c.5354C>A, p.Pro1785His (NM_001354231.2, NM_001354242.2); c.5348C>A, p.Pro1783His (NM_001354232.2); c.5309C>A, p.Pro1770His (NM_001354235.2, NM_001354246.2, NM_001354265.2); c.5210C>A, p.Pro1737His (NM_001354236.2); and 35 more; short protein forms P1643H, P1700H, P1705H, P1716H, P1717H, P1737H, P1754H, P1761H.
Identifiers: ClinVar variation 1425553 (VCV001425553.10), dbSNP rs1290892227, ClinGen allele CA357942994.
Genomic context (GRCh38, chr4:113,369,762, plus strand): 5'-GAGAGGAGAGCTCTCCGCGGAAAACCAGCCTCGTAATAGTGGAGTCTGCCGATAACCAGC[C>A]TGAGACCTGTGAAAGACTCGATGAAGATGCAGCTTTTGAAAAGGTAAGACATTCCTCTCC-3'
Protein context (NP_001139.3, residues 3846-3866): LVIVESADNQ[Pro3856His]ETCERLDEDA